The following is an entry in ClinVar:

NM_012141.3(INTS6):c.46C>T (p.Gln16Ter)

Gene: INTS6 (integrator complex subunit 6; minus strand). Cytogenetic location: 13q14.3.
Variant type: single nucleotide variant.
Coding change: c.46C>T on transcript NM_012141.3 (MANE Select); coding-DNA position 46, C replaced by T.
Protein change: p.Gln16Ter; replaces glutamine 16 with a stop codon.
Molecular consequence: nonsense. On other transcripts: 5 prime UTR variant (1).
Genome position (GRCh38, 1-based): chr13:51,452,480, G>A on the plus strand (C>T on the coding strand, the complement: INTS6 is on the minus strand). VCF-style: chr13-51452480-G-A. GRCh37 (hg19) VCF-style: chr13-52026616-G-A.
Other names: c.7C>T, p.Gln3Ter (NM_001039937.2); c.46C>T, p.Gln16Ter (NM_001039938.2); c.-773C>T (NM_001306091.2); short protein forms Q16*, Q3*.
Identifiers: ClinVar variation 4529749 (VCV004529749.1).

ClinVar aggregate classification (germline): Uncertain significance (1 of 4 stars; one submission).

Submission:

GeneDx
Classification: Uncertain significance. Last evaluated: 2024-12-12. Review status: criteria provided, single submitter. Criteria: GeneDx Variant Classification Process June 2021. Collection method: clinical testing. Allele origin: germline. Affected: yes.
Comment: Not observed at significant frequency in large population cohorts (gnomAD); Nonsense variant predicted to result in protein truncation or nonsense mediated decay in a gene for which loss-of-function is not an established mechanism of disease; Has not been previously published as pathogenic or benign to our knowledge; Variants in candidate genes are classified as variants of uncertain significance in accordance with ACMG guidelines (PMID: 25741868)